The following is an entry in ClinVar:

NM_001031689.3(PLAA):c.1517G>T (p.Ser506Ile)

Gene: PLAA (phospholipase A2 activating protein; minus strand). Cytogenetic location: 9p21.2.
Variant type: single nucleotide variant.
Coding change: c.1517G>T on transcript NM_001031689.3 (MANE Select); coding-DNA position 1517, G replaced by T.
Protein change: p.Ser506Ile; replaces serine 506 with isoleucine.
Molecular consequence: missense variant.
Genome position (GRCh38, 1-based): chr9:26,913,917, C>A on the plus strand (G>T on the coding strand, the complement: PLAA is on the minus strand). VCF-style: chr9-26913917-C-A. GRCh37 (hg19) VCF-style: chr9-26913915-C-A.
Other names: c.1448G>T, p.Ser483Ile (NM_001321546.2); short protein forms S483I, S506I.
Identifiers: ClinVar variation 1406416 (VCV001406416.8), dbSNP rs750010407, ClinGen allele CA5014322.

ClinVar aggregate classification (germline): Uncertain significance (1 of 4 stars; one submission).

gnomAD v4.1: 4 of 1,612,400 alleles (0.00025%); highest among the groups gnomAD compares: Non-Finnish European, 0.00034%; no homozygotes.

Submission:

Labcorp Genetics (formerly Invitae), Labcorp
Classification: Uncertain significance. Last evaluated: 2022-08-15. Review status: criteria provided, single submitter. Criteria: Invitae Variant Classification Sherloc (09022015). Collection method: clinical testing. Allele origin: germline.
Comment: In summary, the available evidence is currently insufficient to determine the role of this variant in disease. Therefore, it has been classified as a Variant of Uncertain Significance. Algorithms developed to predict the effect of missense changes on protein structure and function (SIFT, PolyPhen-2, Align-GVGD) all suggest that this variant is likely to be tolerated. ClinVar contains an entry for this variant (Variation ID: 1406416). This variant has not been reported in the literature in individuals affected with PLAA-related conditions. This variant is present in population databases (rs750010407, gnomAD 0.0009%). This sequence change replaces serine, which is neutral and polar, with isoleucine, which is neutral and non-polar, at codon 506 of the PLAA protein (p.Ser506Ile).